The following is an entry in ClinVar:

NM_004722.4(AP4M1):c.1357A>G (p.Ile453Val)

Gene: AP4M1 (adaptor related protein complex 4 subunit mu 1; plus strand). Cytogenetic location: 7q22.1.
Variant type: single nucleotide variant.
Coding change: c.1357A>G on transcript NM_004722.4 (MANE Select); coding-DNA position 1357, A replaced by G.
Protein change: p.Ile453Val; replaces isoleucine 453 with valine.
Molecular consequence: missense variant.
Genome position (GRCh38, 1-based): chr7:100,106,877, A>G. VCF-style: chr7-100106877-A-G. GRCh37 (hg19) VCF-style: chr7-99704500-A-G.
Other names: c.1378A>G, p.Ile460Val (NM_001363671.2); short protein forms I453V, I460V.
Identifiers: ClinVar variation 434246 (VCV000434246.18), dbSNP rs777592786, ClinGen allele CA4375079.

ClinVar aggregate classification (germline): Uncertain significance. Review status: criteria provided, multiple submitters, no conflicts (2 of 4 stars). 5 submissions from 5 submitters: Uncertain significance (5). Last evaluated 2025-04-01.

Conditions:
Inborn genetic diseases. Identifiers: MedGen C0950123, MeSH D030342.
Hereditary spastic paraplegia 50 (SPG50). Also called: Spastic paraplegia 50, autosomal recessive. Identifiers: Orphanet 280763, MedGen C2752008, MONDO:0013048, OMIM 612936.
Hereditary spastic paraplegia. Also called: Familial spastic paraparesis. Identifiers: Orphanet 685, MedGen C0037773, MONDO:0019064. Disease mechanism: loss of function.

Allele frequency attached by ClinVar (database versions not stated): ExAC 0.00002; gnomAD exomes 0.00004 and 0.00006; gnomAD 0.00006; TOPMed 0.00006.

Submissions (5):

Ambry Genetics
Classification: Uncertain significance for Inborn genetic diseases. Last evaluated: 2025-04-01. Review status: criteria provided, single submitter. Criteria: Ambry Variant Classification Scheme 2023. Collection method: clinical testing. Allele origin: germline.

Labcorp Genetics (formerly Invitae), Labcorp
Classification: Uncertain significance for Hereditary spastic paraplegia 50. Last evaluated: 2024-08-06. Review status: criteria provided, single submitter. Criteria: Invitae Variant Classification Sherloc (09022015). Collection method: clinical testing. Allele origin: germline.
Comment: This sequence change replaces isoleucine, which is neutral and non-polar, with valine, which is neutral and non-polar, at codon 453 of the AP4M1 protein (p.Ile453Val). This variant is present in population databases (rs777592786, gnomAD 0.009%). This variant has not been reported in the literature in individuals affected with AP4M1-related conditions. ClinVar contains an entry for this variant (Variation ID: 434246). An algorithm developed to predict the effect of missense changes on protein structure and function (PolyPhen-2) suggests that this variant is likely to be tolerated. In summary, the available evidence is currently insufficient to determine the role of this variant in disease. Therefore, it has been classified as a Variant of Uncertain Significance.

Blueprint Genetics
Classification: Uncertain significance. Last evaluated: 2024-02-27. Review status: criteria provided, single submitter. Criteria: ACMG Guidelines, 2015. Collection method: clinical testing. Allele origin: germline.

Genome Diagnostics Laboratory, The Hospital for Sick Children
Classification: Uncertain significance for Hereditary spastic paraplegia. Last evaluated: 2016-12-12. Review status: criteria provided, single submitter. Criteria: ACMG Guidelines, 2015. Collection method: clinical testing. Allele origin: germline. Affected: yes.

Genetic Services Laboratory, University of Chicago
Classification: Uncertain significance. Last evaluated: 2016-08-05. Review status: criteria provided, single submitter. Criteria: ACMG Guidelines, 2015. Collection method: clinical testing. Allele origin: germline. Affected: no.